The following is an entry in ClinVar:

ClinVar aggregate classification (germline): Likely benign (0 of 4 stars; one submission).

Conditions:
LHX8-related disorder. Also called: LHX8-related condition.

gnomAD v4.1: 2 of 1,613,990 alleles (0.00012%); no homozygotes.

Submission:

PreventionGenetics, part of Exact Sciences
Classification: Likely benign for LHX8-related condition. Last evaluated: 2021-08-10. Review status: no assertion criteria provided. Collection method: clinical testing. Allele origin: germline.
Comment: This variant is classified as likely benign based on ACMG/AMP sequence variant interpretation guidelines (Richards et al. 2015 PMID: 25741868, with internal and published modifications).

NM_001256114.2(LHX8):c.964+4G>C

Gene: LHX8 (LIM homeobox 8; plus strand). Cytogenetic location: 1p31.1.
Variant type: single nucleotide variant.
Coding change: c.964+4G>C on transcript NM_001256114.2 (MANE Select); 4 bases into the intron after coding-DNA position 964, G replaced by C.
Molecular consequence: intron variant.
Genome position (GRCh38, 1-based): chr1:75,157,080, G>C. VCF-style: chr1-75157080-G-C. GRCh37 (hg19) VCF-style: chr1-75622765-G-C.
Other names: c.994+4G>C (NM_001001933.1).
Identifiers: ClinVar variation 3059961 (VCV003059961.2), dbSNP rs1476916587, ClinGen allele CA523802042.